The following is an entry in ClinVar:

ClinVar aggregate classification (germline): Benign/Likely benign. Review status: criteria provided, multiple submitters, no conflicts (2 of 4 stars). 25 submissions from 18 submitters: Benign (18); Likely benign (3). 4 of the submissions do not count toward it. Last evaluated 2026-02-04.

Conditions:
Cardiovascular phenotype. Identifiers: MedGen CN230736.
Dilated cardiomyopathy 1G (CMD1G). Identifiers: Orphanet 154, MedGen C1858763, MONDO:0011400, OMIM 604145.
Autosomal recessive limb-girdle muscular dystrophy type 2J (LGMDR10). Also called: MUSCULAR DYSTROPHY, LIMB-GIRDLE, AUTOSOMAL RECESSIVE 10; Limb-girdle muscular dystrophy, type 2J. Identifiers: Orphanet 140922, MedGen C1837342, MONDO:0012127, OMIM 608807.
Early-onset myopathy with fatal cardiomyopathy (CMYO5). Also called: CONGENITAL MYOPATHY 5 WITH CARDIOMYOPATHY; Salih Myopathy. Identifiers: Orphanet 289377, MedGen C2673677, MONDO:0012714, OMIM 611705. Disease mechanism: loss of function.
Myopathy, myofibrillar, 9, with early respiratory failure (MFM9). Also called: Myopathy, distal, with early respiratory failure, autosomal dominant; Hereditary myopathy with early respiratory failure; MYOPATHY, PROXIMAL, WITH EARLY RESPIRATORY MUSCLE INVOLVEMENT; EDSTROM MYOPATHY. Identifiers: Orphanet 178464, Orphanet 34521, MedGen C1863599, MONDO:0011362, OMIM 603689.
Tibial muscular dystrophy (TMD). Also called: Udd Distal Myopathy – Tibial Muscular Dystrophy; Tibial muscular dystrophy, tardive; UDD MYOPATHY. Identifiers: Orphanet 609, MedGen C1838244, MONDO:0010870, OMIM 600334.

Allele frequency attached by ClinVar (database versions not stated): ExAC 0.02616; gnomAD 0.02011 and 0.01989; 1000 Genomes Project 0.02236; gnomAD exomes 0.02322 and 0.02599; ESP Exome Variant Server 0.01583; TOPMed 0.01855; 1000 Genomes Project 30x 0.02077.
gnomAD v4.1: 36,901 of 1,613,080 alleles (2.3%); highest among the groups gnomAD compares: East Asian, 6.3%; 522 homozygotes.

Submissions (25):

Labcorp Genetics (formerly Invitae), Labcorp
Classification: Benign for Dilated cardiomyopathy 1G; Autosomal recessive limb-girdle muscular dystrophy type 2J. Last evaluated: 2026-02-04. Review status: criteria provided, single submitter. Criteria: Invitae Variant Classification Sherloc (09022015). Collection method: clinical testing. Allele origin: germline.

Molecular Diagnostic Laboratory for Inherited Cardiovascular Disease, Montreal Heart Institute
Classification: Benign. Last evaluated: 2025-04-09. Review status: criteria provided, single submitter. Criteria: ACMG Guidelines, 2015. Collection method: clinical testing. Allele origin: germline. Affected: no.

Genome-Nilou Lab
Classification: Benign for Autosomal recessive limb-girdle muscular dystrophy type 2J. Last evaluated: 2021-09-10. Review status: criteria provided, single submitter. Criteria: ACMG Guidelines, 2015. Collection method: clinical testing. Allele origin: germline. Affected: no.

Genome-Nilou Lab
Classification: Benign for Myopathy, myofibrillar, 9, with early respiratory failure. Last evaluated: 2021-09-10. Review status: criteria provided, single submitter. Criteria: ACMG Guidelines, 2015. Collection method: clinical testing. Allele origin: germline. Affected: no.

Genome-Nilou Lab
Classification: Benign for Early-onset myopathy with fatal cardiomyopathy. Last evaluated: 2021-09-10. Review status: criteria provided, single submitter. Criteria: ACMG Guidelines, 2015. Collection method: clinical testing. Allele origin: germline. Affected: no.

Genome-Nilou Lab
Classification: Benign for Tibial muscular dystrophy. Last evaluated: 2021-09-10. Review status: criteria provided, single submitter. Criteria: ACMG Guidelines, 2015. Collection method: clinical testing. Allele origin: germline. Affected: no.

Women's Health and Genetics/Laboratory Corporation of America, LabCorp
Classification: Likely benign. Last evaluated: 2020-01-11. Review status: criteria provided, single submitter. Criteria: LabCorp Variant Classification Summary - May 2015. Collection method: clinical testing. Allele origin: germline.

Athena Diagnostics
Classification: Benign. Last evaluated: 2019-01-16. Review status: criteria provided, single submitter. Criteria: Athena Diagnostics Criteria. Collection method: clinical testing. Allele origin: germline.

Illumina Laboratory Services, Illumina
Classification: Benign for Early-onset myopathy with fatal cardiomyopathy. Last evaluated: 2018-01-12. Review status: criteria provided, single submitter. Criteria: ICSL Variant Classification Criteria 13 December 2019. Collection method: clinical testing. Allele origin: germline.
Comment: This variant was observed in the ICSL laboratory as part of a predisposition screen in an ostensibly healthy population. It had not been previously curated by ICSL or reported in the Human Gene Mutation Database (HGMD: prior to June 1st, 2018), and was therefore a candidate for classification through an automated scoring system. Utilizing variant allele frequency, disease prevalence and penetrance estimates, and inheritance mode, an automated score was calculated to assess if this variant is too frequent to cause the disease. Based on the score and internal cut-off values, a variant classified as benign is not then subjected to further curation. The score for this variant resulted in a classification of benign for this disease.

Illumina Laboratory Services, Illumina
Classification: Benign for Myopathy, myofibrillar, 9, with early respiratory failure. Last evaluated: 2018-01-12. Review status: criteria provided, single submitter. Criteria: ICSL Variant Classification Criteria 13 December 2019. Collection method: clinical testing. Allele origin: germline.
Comment: the same text as in the submission from Illumina Laboratory Services, Illumina above.

Illumina Laboratory Services, Illumina
Classification: Benign for Autosomal recessive limb-girdle muscular dystrophy type 2J. Last evaluated: 2018-01-12. Review status: criteria provided, single submitter. Criteria: ICSL Variant Classification Criteria 13 December 2019. Collection method: clinical testing. Allele origin: germline.
Comment: the same text as in the submission from Illumina Laboratory Services, Illumina above.

Illumina Laboratory Services, Illumina
Classification: Benign for Tibial muscular dystrophy. Last evaluated: 2018-01-12. Review status: criteria provided, single submitter. Criteria: ICSL Variant Classification Criteria 13 December 2019. Collection method: clinical testing. Allele origin: germline.
Comment: the same text as in the submission from Illumina Laboratory Services, Illumina above.

Illumina Laboratory Services, Illumina
Classification: Likely benign for Dilated cardiomyopathy 1G. Last evaluated: 2018-01-12. Review status: criteria provided, single submitter. Criteria: ICSL Variant Classification Criteria 13 December 2019. Collection method: clinical testing. Allele origin: germline.
Comment: This variant was observed in the ICSL laboratory as part of a predisposition screen in an ostensibly healthy population. It had not been previously curated by ICSL or reported in the Human Gene Mutation Database (HGMD: prior to June 1st, 2018), and was therefore a candidate for classification through an automated scoring system. Utilizing variant allele frequency, disease prevalence and penetrance estimates, and inheritance mode, an automated score was calculated to assess if this variant is too frequent to cause the disease. Based on the score and internal cut-off values, a variant classified as likely benign is not then subjected to further curation. The score for this variant resulted in a classification of likely benign for this disease.

Mayo Clinic Laboratories, Mayo Clinic
Classification: Benign. Last evaluated: 2017-10-03. Review status: criteria provided, single submitter. Criteria: ACMG Guidelines, 2015. Collection method: clinical testing. Allele origin: germline. Observed: 96 variant alleles.

Genetic Services Laboratory, University of Chicago
Classification: Benign for AllHighlyPenetrant. Last evaluated: 2013-08-15. Review status: criteria provided, single submitter. Criteria: ACMG Guidelines, 2007. Collection method: clinical testing. Allele origin: germline.

Eurofins Ntd Llc (ga)
Classification: Benign. Last evaluated: 2013-07-23. Review status: criteria provided, single submitter. Criteria: EGL Classification Definitions 2015. Collection method: clinical testing. Allele origin: germline. Observed: 1 variant allele, 1 heterozygote.

GeneDx
Classification: Benign. Last evaluated: 2013-04-29. Review status: criteria provided, single submitter. Criteria: GeneDx Variant Classification (06012015). Collection method: clinical testing. Allele origin: germline. Affected: yes.
Comment: This variant is considered likely benign or benign based on one or more of the following criteria: it is a conservative change, it occurs at a poorly conserved position in the protein, it is predicted to be benign by multiple in silico algorithms, and/or has population frequency not consistent with disease.

Ambry Genetics
Classification: Benign for Cardiovascular phenotype. Last evaluated: 2013-03-06. Review status: criteria provided, single submitter. Criteria: Ambry Autosomal Dominant and X-Linked criteria (10/2015). Collection method: clinical testing. Allele origin: germline. Observed: 1 variant allele.

Laboratory for Molecular Medicine, Mass General Brigham Personalized Medicine
Classification: Benign. Last evaluated: 2012-04-24. Review status: criteria provided, single submitter. Criteria: LMM Criteria. Collection method: clinical testing. Allele origin: germline. Observed: 61 variant alleles.

Breakthrough Genomics
Classification: Likely benign. Review status: criteria provided, single submitter. Criteria: ACMG Guidelines, 2015. Collection method: not provided. Allele origin: germline. Inheritance: Autosomal recessive inheritance. Affected: yes.

PreventionGenetics, part of Exact Sciences
Classification: Benign. Review status: criteria provided, single submitter. Criteria: ACMG Guidelines, 2015. Collection method: clinical testing. Allele origin: germline.

Clinical Genetics DNA and cytogenetics Diagnostics Lab, Erasmus MC, Erasmus Medical Center
Classification: Benign. Review status: no assertion criteria provided. Collection method: clinical testing. Allele origin: germline. Affected: yes. Study: VKGL Data-share Consensus. Not counted in ClinVar's aggregate classification.

Clinical Genetics, Academic Medical Center
Classification: Benign. Review status: no assertion criteria provided. Collection method: clinical testing. Allele origin: germline. Affected: yes. Study: VKGL Data-share Consensus. Not counted in ClinVar's aggregate classification.

Genome Diagnostics Laboratory, University Medical Center Utrecht
Classification: Benign. Review status: no assertion criteria provided. Collection method: clinical testing. Allele origin: germline. Affected: yes. Study: VKGL Data-share Consensus. Not counted in ClinVar's aggregate classification.

Joint Genome Diagnostic Labs from Nijmegen and Maastricht, Radboudumc and MUMC+
Classification: Benign. Review status: no assertion criteria provided. Collection method: clinical testing. Allele origin: germline. Affected: yes. Study: VKGL Data-share Consensus. Not counted in ClinVar's aggregate classification.

NM_001267550.2(TTN):c.77279A>G (p.Asn25760Ser)

Genes: TTN (titin; minus strand), TTN-AS1 (TTN antisense RNA 1; plus strand). Cytogenetic location: 2q31.2.
Variant type: single nucleotide variant.
Coding change: c.77279A>G on transcript NM_001267550.2 (MANE Select); coding-DNA position 77279, A replaced by G.
Protein change: p.Asn25760Ser; replaces asparagine 25760 with serine.
Molecular consequence: missense variant.
Genome position (GRCh38, 1-based): chr2:178,568,853, T>C on the plus strand (A>G on the coding strand, the complement: TTN is on the minus strand). VCF-style: chr2-178568853-T-C. GRCh37 (hg19) VCF-style: chr2-179433580-T-C.
Other names: p.N23192S:AAC>AGC; c.72356A>G, p.Asn24119Ser (NM_001256850.1); c.50084A>G, p.Asn16695Ser (NM_003319.4); c.69575A>G, p.Asn23192Ser (NM_133378.4); c.50459A>G, p.Asn16820Ser (NM_133432.3); c.50660A>G, p.Asn16887Ser (NM_133437.4); short protein forms N25760S, N23192S, N24119S, N16695S, N16887S, N16820S.
Identifiers: ClinVar variation 47356 (VCV000047356.40), dbSNP rs3813246, ClinGen allele CA283791.